The following is an entry in ClinVar:

NM_001211.6(BUB1B):c.2389T>G (p.Ser797Ala)

Gene: BUB1B (BUB1 mitotic checkpoint serine/threonine kinase B; plus strand). Cytogenetic location: 15q15.1.
Variant type: single nucleotide variant.
Coding change: c.2389T>G on transcript NM_001211.6 (MANE Select); coding-DNA position 2389, T replaced by G.
Protein change: p.Ser797Ala; replaces serine 797 with alanine.
Molecular consequence: missense variant.
Genome position (GRCh38, 1-based): chr15:40,212,502, T>G. VCF-style: chr15-40212502-T-G. GRCh37 (hg19) VCF-style: chr15-40504703-T-G.
Other names: short protein forms S797A.
Identifiers: ClinVar variation 650681 (VCV000650681.17), dbSNP rs150707631, ClinGen allele CA7476039.

ClinVar aggregate classification (germline): Conflicting classifications of pathogenicity. Review status: criteria provided, conflicting classifications (1 of 4 stars). 4 submissions from 4 submitters: Uncertain significance (3); Likely benign (1). Last evaluated 2026-10-01.

Conditions:
Mosaic variegated aneuploidy syndrome 1 (MVA1). Also called: Warburton-Anyane-Yeboa syndrome. Identifiers: Orphanet 1052, MedGen C1850343, MONDO:0009759, OMIM 257300.
Inborn genetic diseases. Identifiers: MedGen C0950123, MeSH D030342.

Allele frequency attached by ClinVar (database versions not stated): gnomAD exomes 0.00004 and 0.00009; ExAC 0.00009; gnomAD 0.00034 and 0.00036; TOPMed 0.00036; 1000 Genomes Project 0.00040; ESP Exome Variant Server 0.00046; 1000 Genomes Project 30x 0.00047.
gnomAD v4.1: 103 of 1,610,970 alleles (0.0064%); highest among the groups gnomAD compares: African/African-American, 0.13%; no homozygotes.

Submissions (4):

St. Jude Molecular Pathology, St. Jude Children's Research Hospital
Classification: Uncertain significance for Mosaic variegated aneuploidy syndrome 1. Last evaluated: 2026-10-01. Review status: criteria provided, single submitter. Criteria: St. Jude Assertion Criteria 2020. Collection method: clinical testing. Allele origin: germline.
Comment: The BUB1B c.2389T>G p.(Ser797Ala) missense change has a maximum subpopulation frequency of 0.1%in gnomAD v2.1.1. The in silico tool REVEL predicts a benign effect on protei n function, but to our knowledge this prediction has not been confirmed by functional studies. To our knowledge, this variant has not been reported in individuals with mosaic variegated aneuploidy syndrome. In summary, the evidence currently available is insufficient to determine the clinical significance of this variant. It has therefore been classified as of uncertain significance.

Ambry Genetics
Classification: Likely benign for Inborn genetic diseases. Last evaluated: 2025-12-02. Review status: criteria provided, single submitter. Criteria: Ambry Variant Classification Scheme 2023. Collection method: clinical testing. Allele origin: germline.

Labcorp Genetics (formerly Invitae), Labcorp
Classification: Uncertain significance for Mosaic variegated aneuploidy syndrome 1. Last evaluated: 2025-10-13. Review status: criteria provided, single submitter. Criteria: Invitae Variant Classification Sherloc (09022015). Collection method: clinical testing. Allele origin: germline.
Comment: This sequence change replaces serine, which is neutral and polar, with alanine, which is neutral and non-polar, at codon 797 of the BUB1B protein (p.Ser797Ala). This variant is present in population databases (rs150707631, gnomAD 0.1%). This variant has not been reported in the literature in individuals affected with BUB1B-related conditions. ClinVar contains an entry for this variant (Variation ID: 650681). An algorithm developed to predict the effect of missense changes on protein structure and function (PolyPhen-2) suggests that this variant is likely to be tolerated. In summary, the available evidence is currently insufficient to determine the role of this variant in disease. Therefore, it has been classified as a Variant of Uncertain Significance.

Women's Health and Genetics/Laboratory Corporation of America, LabCorp
Classification: Uncertain significance. Last evaluated: 2024-11-04. Review status: criteria provided, single submitter. Criteria: LabCorp Variant Classification Summary - May 2015. Collection method: clinical testing. Allele origin: germline.
Comment: Variant summary: BUB1B c.2389T>G (p.Ser797Ala) results in a conservative amino acid change in the encoded protein sequence. Five of five in-silico tools predict a benign effect of the variant on protein function. The variant allele was found at a frequency of 8.8e-05 in 251064 control chromosomes. This frequency is not significantly higher than estimated for a pathogenic variant in BUB1B causing Mosaic Variegated Aneuploidy Syndrome 1, allowing no conclusion about variant significance. To our knowledge, no occurrence of c.2389T>G in individuals affected with Mosaic Variegated Aneuploidy Syndrome 1 and no experimental evidence demonstrating its impact on protein function have been reported. ClinVar contains an entry for this variant (Variation ID: 650681). Based on the evidence outlined above, the variant was classified as uncertain significance.